The following is an entry in ClinVar:

NM_000071.3(CBS):c.1563C>T (p.Thr521=)

Gene: CBS (cystathionine beta-synthase; minus strand). Cytogenetic location: 21q22.3.
Variant type: single nucleotide variant.
Coding change: c.1563C>T on transcript NM_000071.3 (MANE Select); coding-DNA position 1563, C replaced by T.
Protein change: p.Thr521=; no amino-acid change (threonine 521 retained).
Molecular consequence: synonymous variant.
Genome position (GRCh38, 1-based): chr21:43,053,973, G>A on the plus strand (C>T on the coding strand, the complement: CBS is on the minus strand). VCF-style: chr21-43053973-G-A. GRCh37 (hg19) VCF-style: chr21-44474083-G-A.
Other names: c.1563C>T, p.Thr521= (NM_001178008.3, NM_001178009.3, NM_001320298.2); c.1248C>T, p.Thr416= (NM_001321072.1).
Identifiers: ClinVar variation 263389 (VCV000263389.18), dbSNP rs773052594, ClinGen allele CA10587937.

ClinVar aggregate classification (germline): Likely benign. Review status: criteria provided, multiple submitters, no conflicts (2 of 4 stars). 4 submissions from 4 submitters: Likely benign (4). Last evaluated 2026-07-01.

Conditions:
HYPERHOMOCYSTEINEMIA, THROMBOTIC, CBS-RELATED. Identifiers: MedGen C3150344, OMIM 236200.
Familial thoracic aortic aneurysm and aortic dissection (TAAD). Also called: Thoracic aortic aneurysms and dissections. Identifiers: Orphanet 91387, MedGen C4707243, MONDO:0019625.

Allele frequency attached by ClinVar (database versions not stated): ExAC 0.00001; gnomAD exomes 0.00001; gnomAD 0.00003.

Submissions (4):

CeGaT Center for Human Genetics Tuebingen
Classification: Likely benign. Last evaluated: 2026-07-01. Review status: criteria provided, single submitter. Criteria: CeGaT Center For Human Genetics Tuebingen Variant Classification Criteria Version 2. Collection method: clinical testing. Allele origin: germline. Affected: yes. Observed: 1 variant allele.
Comment: CBS: PM2:Supporting, BP4, BP7

Labcorp Genetics (formerly Invitae), Labcorp
Classification: Likely benign for HYPERHOMOCYSTEINEMIA, THROMBOTIC, CBS-RELATED. Last evaluated: 2025-10-15. Review status: criteria provided, single submitter. Criteria: Invitae Variant Classification Sherloc (09022015). Collection method: clinical testing. Allele origin: germline.

GeneDx
Classification: Likely benign. Last evaluated: 2016-09-02. Review status: criteria provided, single submitter. Criteria: GeneDx Variant Classification (06012015). Collection method: clinical testing. Allele origin: germline. Affected: yes.
Comment: This variant is considered likely benign or benign based on one or more of the following criteria: it is a conservative change, it occurs at a poorly conserved position in the protein, it is predicted to be benign by multiple in silico algorithms, and/or has population frequency not consistent with disease.

Ambry Genetics
Classification: Likely benign for Familial thoracic aortic aneurysm and aortic dissection. Last evaluated: 2016-05-20. Review status: criteria provided, single submitter. Criteria: Ambry Variant Classification Scheme 2023. Collection method: clinical testing. Allele origin: germline.